The following is an entry in ClinVar:

ClinVar aggregate classification (germline): Conflicting classifications of pathogenicity. Review status: criteria provided, conflicting classifications (1 of 4 stars). 3 submissions from 3 submitters: Uncertain significance (1); Likely benign (2). Last evaluated 2025-03-25.

Allele frequency attached by ClinVar (database versions not stated): ExAC 0.00003; gnomAD exomes 0.00005; gnomAD 0.00011; TOPMed 0.00017.

Submissions (3):

Labcorp Genetics (formerly Invitae), Labcorp
Classification: Uncertain significance. Last evaluated: 2025-03-25. Review status: criteria provided, single submitter. Criteria: Invitae Variant Classification Sherloc (09022015). Collection method: clinical testing. Allele origin: germline.
Comment: This sequence change replaces arginine, which is basic and polar, with glutamine, which is neutral and polar, at codon 3 of the NXF5 protein (p.Arg3Gln). This variant is present in population databases (rs758335218, gnomAD 0.03%). This variant has not been reported in the literature in individuals affected with NXF5-related conditions. ClinVar contains an entry for this variant (Variation ID: 3203494). An algorithm developed to predict the effect of missense changes on protein structure and function outputs the following: PolyPhen-2: "Benign". The glutamine amino acid residue is found in multiple mammalian species, which suggests that this missense change does not adversely affect protein function. In summary, the available evidence is currently insufficient to determine the role of this variant in disease. Therefore, it has been classified as a Variant of Uncertain Significance.

Ambry Genetics
Classification: Likely benign. Last evaluated: 2023-11-18. Review status: criteria provided, single submitter. Criteria: Ambry Variant Classification Scheme 2023. Collection method: clinical testing. Allele origin: germline.

Blueprint Genetics
Classification: Likely benign. Last evaluated: 2021-12-21. Review status: criteria provided, single submitter. Criteria: ACMG Guidelines, 2015. Collection method: clinical testing. Allele origin: germline.

NC_000023.11:g.101842785C>T

Gene: NXF5 (nuclear RNA export factor 5; minus strand). Cytogenetic location: Xq22.1.
Variant type: single nucleotide variant.
Molecular consequence: non-coding transcript variant (on NR_028089.1).
Genome position: GRCh38 VCF-style: chrX-101842785-C-T. GRCh37 (hg19) VCF-style: chrX-101097757-C-T.
Other names: NM_032946.2:c.8G>A.
Identifiers: ClinVar variation 3203494 (VCV003203494.3), dbSNP rs758335218, ClinGen allele CA10474780.
Genomic context (GRCh38, chrX:101,842,785, plus strand): 5'-CTCAACGAGATACTCACTGTGACCTTGAACCATTTCCTCATGTTTTCATCTTGTGTGTTC[C>T]GCCTCATTTTTCTCTCTGGAGGTTTTCTATTTCTCCAAATGGTAATATGGATTTGATCTT-3'